The following is an entry in ClinVar:

ClinVar aggregate classification (germline): Uncertain significance. Review status: criteria provided, multiple submitters, no conflicts (2 of 4 stars). 2 submissions from 2 submitters: Uncertain significance (2). Last evaluated 2025-05-29.

Conditions:
Inborn genetic diseases. Identifiers: MedGen C0950123, MeSH D030342.

Allele frequency attached by ClinVar (database versions not stated): TOPMed 0.00001; ExAC 0.00002; gnomAD exomes 0.00002 and 0.00006.
gnomAD v4.1: 83 of 1,592,470 alleles (0.0052%); highest among the groups gnomAD compares: Non-Finnish European, 0.0068%; no homozygotes.

Submissions (2):

Ambry Genetics
Classification: Uncertain significance for Inborn genetic diseases. Last evaluated: 2025-05-29. Review status: criteria provided, single submitter. Criteria: Ambry Variant Classification Scheme 2023. Collection method: clinical testing. Allele origin: germline.

Labcorp Genetics (formerly Invitae), Labcorp
Classification: Uncertain significance. Last evaluated: 2022-11-22. Review status: criteria provided, single submitter. Criteria: Invitae Variant Classification Sherloc (09022015). Collection method: clinical testing. Allele origin: germline.
Comment: ClinVar contains an entry for this variant (Variation ID: 1410529). In summary, the available evidence is currently insufficient to determine the role of this variant in disease. Therefore, it has been classified as a Variant of Uncertain Significance. Algorithms developed to predict the effect of missense changes on protein structure and function (SIFT, PolyPhen-2, Align-GVGD) all suggest that this variant is likely to be tolerated. This variant has not been reported in the literature in individuals affected with TMEM38B-related conditions. This variant is present in population databases (rs777964172, gnomAD 0.004%). This sequence change replaces isoleucine, which is neutral and non-polar, with valine, which is neutral and non-polar, at codon 92 of the TMEM38B protein (p.Ile92Val).

NM_018112.3(TMEM38B):c.274A>G (p.Ile92Val)

Gene: TMEM38B (transmembrane protein 38B; plus strand). Cytogenetic location: 9q31.2.
Variant type: single nucleotide variant.
Coding change: c.274A>G on transcript NM_018112.3 (MANE Select); coding-DNA position 274, A replaced by G.
Protein change: p.Ile92Val; replaces isoleucine 92 with valine.
Molecular consequence: missense variant.
Genome position (GRCh38, 1-based): chr9:105,721,541, A>G. VCF-style: chr9-105721541-A-G. GRCh37 (hg19) VCF-style: chr9-108483822-A-G.
Other names: c.274A>G (NM_018112.1); short protein forms I92V.
Identifiers: ClinVar variation 1410529 (VCV001410529.7), dbSNP rs777964172, ClinGen allele CA5170835.
Genomic context (GRCh38, chr9:105,721,541, plus strand): 5'-AATTTCTGTTCTTCTGATTCCATTAATATATTAAAATGTTTACATTTCATTTTCAGGTAT[A>G]TTACATTTTTTTGCCCGCATGACCTAGTTTCCCAGGGCTATTCATATCTACCTGTTCAAC-3'
Protein context (NP_060582.1, residues 82-102): NILLASSIWY[Ile92Val]TFFCPHDLVS